The following is an entry in ClinVar:

NM_001256545.2(MEGF10):c.3266G>A (p.Ser1089Asn)

Gene: MEGF10 (multiple EGF like domains 10; plus strand). Cytogenetic location: 5q23.2.
Variant type: single nucleotide variant.
Coding change: c.3266G>A on transcript NM_001256545.2 (MANE Select); coding-DNA position 3266, G replaced by A.
Protein change: p.Ser1089Asn; replaces serine 1089 with asparagine.
Molecular consequence: missense variant.
Genome position (GRCh38, 1-based): chr5:127,457,161, G>A. VCF-style: chr5-127457161-G-A. GRCh37 (hg19) VCF-style: chr5-126792853-G-A.
Other names: c.3266G>A, p.Ser1089Asn (NM_032446.3); short protein forms S1089N.
Identifiers: ClinVar variation 1716730 (VCV001716730.6), dbSNP rs752638811, ClinGen allele CA360719344.

ClinVar aggregate classification (germline): Uncertain significance (1 of 4 stars; one submission).

Conditions:
MEGF10-related myopathy (CMYO10A). Also called: Congenital myopathy 10A, severe variant. Identifiers: Orphanet 439212, MedGen C3280679, MONDO:0013731, OMIM 614399.

Submission:

Labcorp Genetics (formerly Invitae), Labcorp
Classification: Uncertain significance for MEGF10-related myopathy. Last evaluated: 2022-07-17. Review status: criteria provided, single submitter. Criteria: Invitae Variant Classification Sherloc (09022015). Collection method: clinical testing. Allele origin: germline.
Comment: This sequence change replaces serine, which is neutral and polar, with asparagine, which is neutral and polar, at codon 1089 of the MEGF10 protein (p.Ser1089Asn). This variant is not present in population databases (gnomAD no frequency). This variant has not been reported in the literature in individuals affected with MEGF10-related conditions. Algorithms developed to predict the effect of missense changes on protein structure and function output the following: SIFT: "Tolerated"; PolyPhen-2: "Benign"; Align-GVGD: "Class C0". The asparagine amino acid residue is found in multiple mammalian species, which suggests that this missense change does not adversely affect protein function. In summary, the available evidence is currently insufficient to determine the role of this variant in disease. Therefore, it has been classified as a Variant of Uncertain Significance.